The following is an entry in ClinVar:

ClinVar aggregate classification (germline): Uncertain significance. Review status: criteria provided, multiple submitters, no conflicts (2 of 4 stars). 2 submissions from 2 submitters: Uncertain significance (2). Last evaluated 2026-05-14.

Conditions:
Usher syndrome type 3B. Also called: USHER SYNDROME, TYPE IIIB. Identifiers: MedGen C3281066, MONDO:0013788, OMIM 614504.

Allele frequency attached by ClinVar (database versions not stated): gnomAD exomes below 0.00001; TOPMed below 0.00001.
gnomAD v4.1: 3 of 1,608,700 alleles (0.00019%); highest among the groups gnomAD compares: Non-Finnish European, 0.00026%; no homozygotes.

Submissions (2):

Women's Health and Genetics/Laboratory Corporation of America, LabCorp
Classification: Uncertain significance. Last evaluated: 2026-05-14. Review status: criteria provided, single submitter. Criteria: LabCorp Variant Classification Summary - May 2015. Collection method: clinical testing. Allele origin: germline.
Comment: Variant summary: HARS1 c.149G>A (p.Ser50Asn) results in a conservative amino acid change in the encoded protein sequence. Algorithms developed to predict the effect of missense changes on protein structure and function are either unavailable or do not agree on the potential impact of this missense change. The variant allele was found at a frequency of 1.9e-06 in 1608700 control chromosomes. The available data on variant occurrences in the general population are insufficient to allow any conclusion about variant significance. To our knowledge, no occurrence of c.149G>A in individuals affected with HARS1-related conditions and no experimental evidence demonstrating its impact on protein function have been reported. ClinVar contains an entry for this variant (Variation ID: 1915998). Based on the evidence outlined above, the variant was classified as uncertain significance.

Labcorp Genetics (formerly Invitae), Labcorp
Classification: Uncertain significance for Usher syndrome type 3B. Last evaluated: 2025-10-27. Review status: criteria provided, single submitter. Criteria: Invitae Variant Classification Sherloc (09022015). Collection method: clinical testing. Allele origin: germline.
Comment: This sequence change replaces serine, which is neutral and polar, with asparagine, which is neutral and polar, at codon 50 of the HARS protein (p.Ser50Asn). This variant is not present in population databases (gnomAD no frequency). This variant has not been reported in the literature in individuals affected with HARS-related conditions. ClinVar contains an entry for this variant (Variation ID: 1915998). An algorithm developed to predict the effect of missense changes on protein structure and function (PolyPhen-2) suggests that this variant is likely to be tolerated. In summary, the available evidence is currently insufficient to determine the role of this variant in disease. Therefore, it has been classified as a Variant of Uncertain Significance.

NM_002109.6(HARS1):c.149G>A (p.Ser50Asn)

Gene: HARS1 (histidyl-tRNA synthetase 1; minus strand). Cytogenetic location: 5q31.3.
Variant type: single nucleotide variant.
Coding change: c.149G>A on transcript NM_002109.6 (MANE Select); coding-DNA position 149, G replaced by A.
Protein change: p.Ser50Asn; replaces serine 50 with asparagine.
Molecular consequence: missense variant.
Genome position (GRCh38, 1-based): chr5:140,690,886, C>T on the plus strand (G>A on the coding strand, the complement: HARS1 is on the minus strand). VCF-style: chr5-140690886-C-T. GRCh37 (hg19) VCF-style: chr5-140070471-C-T.
Other names: c.149G>A, p.Ser50Asn (NM_001258040.3, NM_001258041.3, NM_001258042.3 and 2 more transcripts); c.62G>A, p.Ser21Asn (NM_001289094.2); short protein forms S21N, S50N.
Identifiers: ClinVar variation 1915998 (VCV001915998.6), dbSNP rs1759375841, ClinGen allele CA361191419.
Genomic context (GRCh38, chr5:140,690,886, plus strand): 5'-TCAGTGGCTCCCTACAGGAATGATATTACCTTGGGGGTTTTGAGCACAAATTTCTGTTTG[C>T]TTTCATCAGGACCCAGCTGTGCCTTCAGTTTCAGGAGTTTCGCCACCTCCTCCTCGATCT-3'
Protein context (NP_002100.2, residues 40-60): KLKAQLGPDE[Ser50Asn]KQKFVLKTPK